The following is an entry in ClinVar:

ClinVar aggregate classification (germline): Pathogenic. Review status: criteria provided, multiple submitters, no conflicts (2 of 4 stars). 2 submissions from 2 submitters: Pathogenic (2). Last evaluated 2025-06-27.

Conditions:
Severe early-childhood-onset retinal dystrophy (STGD1). Also called: Stargardt macular dystrophy; Juvenile onset macular degeneration; Stargardt disease 1; MACULAR DYSTROPHY WITH FLECKS, TYPE 1; STGD. Identifiers: Orphanet 364055, Orphanet 827, MedGen C1855465, MeSH D000080362, MONDO:0009549, OMIM 248200.
Age related macular degeneration 2. Also called: MACULAR DEGENERATION, SENILE; MACULOPATHY, AGE-RELATED, 2; MACULOPATHY, AGE-RELATED. Identifiers: MedGen C3495438, MONDO:0007932, OMIM 153800.
Cone-rod dystrophy 3 (CORD3). Identifiers: Orphanet 1872, MedGen C1858806, MONDO:0011395, OMIM 604116.
Retinitis pigmentosa 19 (RP19). Also called: ABCA4-Related Retinitis Pigmentosa. Identifiers: Orphanet 791, MedGen C1866422, MONDO:0011137, OMIM 601718.

Submissions (2):

Labcorp Genetics (formerly Invitae), Labcorp
Classification: Pathogenic. Last evaluated: 2025-06-27. Review status: criteria provided, single submitter. Criteria: Invitae Variant Classification Sherloc (09022015). Collection method: clinical testing. Allele origin: germline.
Comment: This sequence change creates a premature translational stop signal (p.Asn688Lysfs*78) in the ABCA4 gene. It is expected to result in an absent or disrupted protein product. Loss-of-function variants in ABCA4 are known to be pathogenic (PMID: 10958761, 24938718, 25312043, 26780318). This variant is not present in population databases (gnomAD no frequency). This premature translational stop signal has been observed in individual(s) with Stargardt disease (PMID: 33129279). In at least one individual the data is consistent with being in trans (on the opposite chromosome) from a pathogenic variant. ClinVar contains an entry for this variant (Variation ID: 3381909). For these reasons, this variant has been classified as Pathogenic.

Juno Genomics, Hangzhou Juno Genomics, Inc
Classification: Pathogenic for Age related macular degeneration 2; Cone-rod dystrophy 3; Severe early-childhood-onset retinal dystrophy; Retinitis pigmentosa 19. Review status: criteria provided, single submitter. Criteria: ACMG Guidelines, 2015. Collection method: clinical testing. Allele origin: germline. Affected: yes.
Comment: Absent from controls (or at extremely low frequency if recessive) in Genome Aggregation Database, Exome Sequencing Project, 1000 Genomes Project, or Exome Aggregation Consortium.;Null variant in a gene where loss of function (LOF) is a known mechanism of disease.;For recessive disorders, detected in trans with a pathogenic variant.

Literature cited by the submitters: PubMed 10958761 (cited by Labcorp Genetics (formerly Invitae), Labcorp); PubMed 24938718 (cited by Labcorp Genetics (formerly Invitae), Labcorp); PubMed 25312043 (cited by Labcorp Genetics (formerly Invitae), Labcorp); PubMed 26780318 (cited by Labcorp Genetics (formerly Invitae), Labcorp); PubMed 33129279 (cited by Labcorp Genetics (formerly Invitae), Labcorp).

NM_000350.3(ABCA4):c.2063dup (p.Asn688fs)

Gene: ABCA4 (ATP binding cassette subfamily A member 4; minus strand). Cytogenetic location: 1p22.1.
Variant type: Duplication.
Coding change: c.2063dup on transcript NM_000350.3 (MANE Select); coding-DNA position 2063, one base duplicated (A; older notation c.2063dupA).
Protein change: p.Asn688fs; shifts the reading frame from asparagine 688.
Molecular consequence: frameshift variant.
Genome position (GRCh38, 1-based): chr1:94,060,634, T duplicated on the plus strand (A on the coding strand, the reverse complement: ABCA4 is on the minus strand); the first of 5 consecutive T bases (chr1:94,060,634-94,060,638); duplicating any one gives the same sequence. VCF-style (leftmost placement, unchanged base first): chr1-94060633-A-AT. GRCh37 (hg19) VCF-style: chr1-94526189-A-AT.
Other names: c.2063dup, p.Asn688fs (NM_001425324.1); short protein forms N688fs.
Identifiers: ClinVar variation 3381909 (VCV003381909.3).